The following is an entry in ClinVar:

ClinVar aggregate classification (germline): Uncertain significance (1 of 4 stars; one submission).

Submission:

Women's Health and Genetics/Laboratory Corporation of America, LabCorp
Classification: Uncertain significance. Last evaluated: 2020-02-25. Review status: criteria provided, single submitter. Criteria: LabCorp Variant Classification Summary - May 2015. Collection method: clinical testing. Allele origin: germline.
Comment: Variant summary: BRCA2 c.7222C>A (p.Pro2408Thr) results in a non-conservative amino acid change in the encoded protein sequence. Five of five in-silico tools predict a damaging effect of the variant on protein function. The variant was absent in 251288 control chromosomes (gnomAD). The available data on variant occurrences in the general population are insufficient to allow any conclusion about variant significance. To our knowledge, no occurrence of c.7222C>A in individuals affected with Hereditary Breast and Ovarian Cancer and no experimental evidence demonstrating its impact on protein function have been reported. No clinical diagnostic laboratories have submitted clinical-significance assessments for this variant to ClinVar after 2014. Based on the evidence outlined above, the variant was classified as uncertain significance.

NM_000059.4(BRCA2):c.7222C>A (p.Pro2408Thr)

Gene: BRCA2 (BRCA2 DNA repair associated; plus strand). Cytogenetic location: 13q13.1.
Variant type: single nucleotide variant.
Coding change: c.7222C>A on transcript NM_000059.4 (MANE Select); coding-DNA position 7222, C replaced by A.
Protein change: p.Pro2408Thr; replaces proline 2408 with threonine.
Molecular consequence: missense variant.
Genome position (GRCh38, 1-based): chr13:32,355,075, C>A. VCF-style: chr13-32355075-C-A. GRCh37 (hg19) VCF-style: chr13-32929212-C-A.
Other names: short protein forms P2408T.
Identifiers: ClinVar variation 917717 (VCV000917717.1), dbSNP rs398122577, ClinGen allele CA387740116.